The following is an entry in ClinVar:

NC_012920.1(MT-ND4):m.11252A>G

Gene: MT-ND4 (mitochondrially encoded NADH dehydrogenase 4; plus strand).
Variant type: single nucleotide variant.
Genome position: chrM-11252-A-G.
Identifiers: ClinVar variation 693356 (VCV000693356.1), dbSNP rs879229170, ClinGen allele CA337099138.
Genomic context (GRCh38, chrMT:11,252, plus strand): 5'-GCAGGCACATACTTCCTATTCTACACCCTAGTAGGCTCCCTTCCCCTACTCATCGCACTA[A>G]TTTACACTCACAACACCCTAGGCTCACTAAACATTCTACTACTCACTCTCACTGCCCAAG-3'

ClinVar aggregate classification (germline): Benign (1 of 4 stars; one submission).

Conditions:
Leigh syndrome (NULS). Also called: Leigh's necrotizing encephalopathy; Leigh's disease; Leigh Syndrome (mtDNA deletion); Leigh Disease; Subacute necrotizing encephalopathy; Necrotizing encephalopathy infantile subacute of Leigh. Identifiers: Orphanet 506, MedGen C2931891, MONDO:0009723, OMIM 256000.

Submission:

Wong Mito Lab, Molecular and Human Genetics, Baylor College of Medicine
Classification: Benign for Leigh syndrome. Last evaluated: 2019-10-17. Review status: criteria provided, single submitter. Criteria: Modified ACMG Guidelines (Unpublished). Collection method: clinical testing. Allele origin: germline.
Comment: The NC_012920.1:m.11252A>G (YP_003024035.1:p.Ile165Val) variant in MTND4 gene is interpretated to be a Benign variant based on the modified ACMG guidelines (unpublished). This variant meets the following evidence codes: BS1, BS2, BP4